The following is an entry in ClinVar:

NM_014927.5(CNKSR2):c.2705A>T (p.Glu902Val)

Gene: CNKSR2 (connector enhancer of kinase suppressor of Ras 2; plus strand). Cytogenetic location: Xp22.12.
Variant type: single nucleotide variant.
Coding change: c.2705A>T on transcript NM_014927.5 (MANE Select); coding-DNA position 2705, A replaced by T.
Protein change: p.Glu902Val; replaces glutamic acid 902 with valine.
Molecular consequence: missense variant.
Genome position (GRCh38, 1-based): chrX:21,648,843, A>T. VCF-style: chrX-21648843-A-T. GRCh37 (hg19) VCF-style: chrX-21666961-A-T.
Other names: c.2615A>T, p.Glu872Val (NM_001168647.3); c.2558A>T, p.Glu853Val (NM_001330770.2); c.2468A>T, p.Glu823Val (NM_001330772.2); short protein forms E823V, E853V, E872V, E902V.
Identifiers: ClinVar variation 1722772 (VCV001722772.2), dbSNP rs2092713574, ClinGen allele CA412553609.

ClinVar aggregate classification (germline): Uncertain significance (1 of 4 stars; one submission).

Submission:

GeneDx
Classification: Uncertain significance. Last evaluated: 2022-05-03. Review status: criteria provided, single submitter. Criteria: GeneDx Variant Classification Process June 2021. Collection method: clinical testing. Allele origin: germline. Affected: yes.
Comment: Not observed at significant frequency in large population cohorts (gnomAD); In silico analysis supports that this missense variant does not alter protein structure/function; Has not been previously published as pathogenic or benign to our knowledge